The following is an entry in ClinVar:

ClinVar aggregate classification (germline): Benign. Review status: criteria provided, multiple submitters, no conflicts (2 of 4 stars). 6 submissions from 6 submitters: Benign (4). 2 of the submissions do not count toward it. Last evaluated 2026-02-04.

Conditions:
Jeune thoracic dystrophy. Also called: Short-rib thoracic dysplasia; Jeune syndrome; Infantile thoracic dystrophy; Thoracic pelvic phalangeal dystrophy; Jeune's syndrome; Chondroectodermal dysplasia-like syndrome. Identifiers: Orphanet 474, MedGen C0265275, MONDO:0018770.
Asphyxiating thoracic dystrophy 3. Also called: SHORT-RIB THORACIC DYSPLASIA 3 WITH OR WITHOUT POLYDACTYLY; POLYDACTYLY WITH NEONATAL CHONDRODYSTROPHY, TYPE I; SHORT-RIB THORACIC DYSPLASIA 3/6 WITH POLYDACTYLY, DIGENIC; Short rib polydactyly syndrome 2B; Saldino-Noonan Syndrome. Identifiers: Orphanet 474, Orphanet 93269, Orphanet 93270, Orphanet 93271, MedGen C0036069, MONDO:0013127, OMIM 613091.

Allele frequency attached by ClinVar (database versions not stated): 1000 Genomes Project 0.00539; 1000 Genomes Project 30x 0.00562; TOPMed 0.01419; ESP Exome Variant Server 0.01488; gnomAD 0.01536 and 0.01583; gnomAD exomes 0.01641 and 0.02223; ExAC 0.01693.
gnomAD v4.1: 34,602 of 1,612,412 alleles (2.1%); highest among the groups gnomAD compares: Non-Finnish European, 2.6%; 461 homozygotes.

Submissions (6):

Labcorp Genetics (formerly Invitae), Labcorp
Classification: Benign for Jeune thoracic dystrophy. Last evaluated: 2026-02-04. Review status: criteria provided, single submitter. Criteria: Invitae Variant Classification Sherloc (09022015). Collection method: clinical testing. Allele origin: germline.

ARUP Laboratories, Molecular Genetics and Genomics, ARUP Laboratories
Classification: Benign for Asphyxiating thoracic dystrophy 3. Last evaluated: 2025-04-28. Review status: criteria provided, single submitter. Criteria: ARUP Molecular Germline Variant Investigation Process 2024. Collection method: clinical testing. Allele origin: germline.

Illumina Laboratory Services, Illumina
Classification: Benign for Asphyxiating thoracic dystrophy 3. Last evaluated: 2018-01-13. Review status: criteria provided, single submitter. Criteria: ICSL Variant Classification Criteria 13 December 2019. Collection method: clinical testing. Allele origin: germline.
Comment: This variant was observed in the ICSL laboratory as part of a predisposition screen in an ostensibly healthy population. It had not been previously curated by ICSL or reported in the Human Gene Mutation Database (HGMD: prior to June 1st, 2018), and was therefore a candidate for classification through an automated scoring system. Utilizing variant allele frequency, disease prevalence and penetrance estimates, and inheritance mode, an automated score was calculated to assess if this variant is too frequent to cause the disease. Based on the score and internal cut-off values, a variant classified as benign is not then subjected to further curation. The score for this variant resulted in a classification of benign for this disease.

GeneDx
Classification: Benign. Last evaluated: 2016-05-23. Review status: criteria provided, single submitter. Criteria: GeneDx Variant Classification (06012015). Collection method: clinical testing. Allele origin: germline. Affected: yes.
Comment: This variant is considered likely benign or benign based on one or more of the following criteria: it is a conservative change, it occurs at a poorly conserved position in the protein, it is predicted to be benign by multiple in silico algorithms, and/or has population frequency not consistent with disease.

Clinical Genetics DNA and cytogenetics Diagnostics Lab, Erasmus MC, Erasmus Medical Center
Classification: Likely benign. Review status: no assertion criteria provided. Collection method: clinical testing. Allele origin: germline. Affected: yes. Study: VKGL Data-share Consensus. Not counted in ClinVar's aggregate classification.

Joint Genome Diagnostic Labs from Nijmegen and Maastricht, Radboudumc and MUMC+
Classification: Benign. Review status: no assertion criteria provided. Collection method: clinical testing. Allele origin: germline. Affected: yes. Study: VKGL Data-share Consensus. Not counted in ClinVar's aggregate classification.

NM_001377.3(DYNC2H1):c.3660T>C (p.Pro1220=)

Gene: DYNC2H1 (dynein cytoplasmic 2 heavy chain 1; plus strand). Cytogenetic location: 11q22.3.
Variant type: single nucleotide variant.
Coding change: c.3660T>C on transcript NM_001377.3 (MANE Select); coding-DNA position 3660, T replaced by C.
Protein change: p.Pro1220=; no amino-acid change (proline 1220 retained).
Molecular consequence: synonymous variant.
Genome position (GRCh38, 1-based): chr11:103,155,417, T>C. VCF-style: chr11-103155417-T-C. GRCh37 (hg19) VCF-style: chr11-103026146-T-C.
Other names: c.3660T>C, p.Pro1220= (NM_001080463.2).
Identifiers: ClinVar variation 302028 (VCV000302028.33), dbSNP rs118191062, ClinGen allele CA6253369.